The following is an entry in ClinVar:

ClinVar aggregate classification (germline): Uncertain significance (1 of 4 stars; one submission).

Submission:

GeneDx
Classification: Uncertain significance. Last evaluated: 2023-10-05. Review status: criteria provided, single submitter. Criteria: GeneDx Variant Classification Process June 2021. Collection method: clinical testing. Allele origin: germline. Affected: yes.
Comment: Not observed at significant frequency in large population cohorts (gnomAD); Nonsense variant predicted to result in protein truncation as the last 3 amino acids are lost in a transcript of a gene for which loss-of-function is not an established mechanism of disease; Has not been previously published as pathogenic or benign to our knowledge; Reported using an alternate transcript of the gene

NM_002585.4(PBX1):c.*2717G>A

Gene: PBX1 (PBX homeobox 1; plus strand). Cytogenetic location: 1q23.3.
Variant type: single nucleotide variant.
Coding change: c.*2717G>A on transcript NM_002585.4 (MANE Select); 2717 bases downstream of the stop codon, G replaced by A.
Molecular consequence: 3 prime UTR variant. On other transcripts: nonsense (1), intron variant (1).
Genome position (GRCh38, 1-based): chr1:164,849,393, G>A. VCF-style: chr1-164849393-G-A. GRCh37 (hg19) VCF-style: chr1-164818630-G-A.
Other names: c.*2853G>A (NM_001204961.2); c.1254G>A, p.Trp418Ter (NM_001204963.2); c.*2717G>A (NM_001353130.1); c.*43+27767G>A (NM_001353131.2); short protein forms W418*.
Identifiers: ClinVar variation 3252733 (VCV003252733.1), dbSNP rs2525025606.